The following is an entry in ClinVar:

NM_004725.4(BUB3):c.316C>A (p.Pro106Thr)

Gene: BUB3 (BUB3 mitotic checkpoint protein; plus strand). Cytogenetic location: 10q26.13.
Variant type: single nucleotide variant.
Coding change: c.316C>A on transcript NM_004725.4 (MANE Select); coding-DNA position 316, C replaced by A.
Protein change: p.Pro106Thr; replaces proline 106 with threonine.
Molecular consequence: missense variant.
Genome position (GRCh38, 1-based): chr10:123,157,779, C>A. VCF-style: chr10-123157779-C-A. GRCh37 (hg19) VCF-style: chr10-124917295-C-A.
Other names: c.316C>A, p.Pro106Thr (NM_001007793.3); short protein forms P106T.
Identifiers: ClinVar variation 1728409 (VCV001728409.2), dbSNP rs1564782334, ClinGen allele CA378625438.

ClinVar aggregate classification (germline): Uncertain significance (1 of 4 stars; one submission).

Allele frequency attached by ClinVar (database versions not stated): gnomAD 0.00001.
gnomAD v4.1: 2 of 1,613,704 alleles (0.00012%); highest among the groups gnomAD compares: Non-Finnish European, 0.00017%; no homozygotes.

Submission:

Ambry Genetics
Classification: Uncertain significance. Last evaluated: 2021-09-18. Review status: criteria provided, single submitter. Criteria: Ambry Variant Classification Scheme 2023. Collection method: clinical testing. Allele origin: germline.
Comment: The p.P106T variant (also known as c.316C>A), located in coding exon 3 of the BUB3 gene, results from a C to A substitution at nucleotide position 316. The proline at codon 106 is replaced by threonine, an amino acid with highly similar properties. This amino acid position is conserved. In addition, this alteration is predicted to be deleterious by in silico analysis. Since supporting evidence is limited at this time, the clinical significance of this alteration remains unclear.